The following is an entry in ClinVar:

ClinVar aggregate classification (germline): Uncertain significance. Review status: criteria provided, multiple submitters, no conflicts (2 of 4 stars). 2 submissions from 2 submitters: Uncertain significance (2). Last evaluated 2024-02-19.

Conditions:
CHARGE syndrome (CHARGE). Also called: Hittner Hirsch Kreh syndrome; CHARGE ASSOCIATION--COLOBOMA, HEART ANOMALY, CHOANAL ATRESIA, RETARDATION, GENITAL AND EAR ANOMALIES; Coloboma, heart anomaly, choanal atresia, retardation, genital and ear anomalies; CHARGE association; Hall-Hittner syndrome. Identifiers: Orphanet 138, MedGen C0265354, MONDO:0008965.
Hypogonadotropic hypogonadism 5 with or without anosmia (KAL5). Also called: CHD7-Related GnRH Deficiency (Kallmann Syndrome 5); HYPOGONADOTROPIC HYPOGONADISM 5 WITH ANOSMIA; HYPOGONADOTROPHIC HYPOGONADISM 5 WITHOUT ANOSMIA. Identifiers: Orphanet 478, MedGen C3552553, MONDO:0012880, OMIM 612370. Disease mechanism: loss of function.

gnomAD v4.1: 1 of 1,613,126 alleles (0.000062%); highest among the groups gnomAD compares: South Asian, 0.0011%; no homozygotes.

Submissions (2):

Fulgent Genetics
Classification: Uncertain significance for CHD7-related CHARGE syndrome; Hypogonadotropic hypogonadism 5 with or without anosmia. Last evaluated: 2024-02-19. Review status: criteria provided, single submitter. Criteria: ACMG Guidelines, 2015. Collection method: clinical testing. Allele origin: germline.

GeneDx
Classification: Uncertain significance. Last evaluated: 2023-03-30. Review status: criteria provided, single submitter. Criteria: GeneDx Variant Classification Process June 2021. Collection method: clinical testing. Allele origin: germline. Affected: yes.
Comment: Not observed at significant frequency in large population cohorts (gnomAD); In silico analysis supports that this missense variant does not alter protein structure/function; Has not been previously published as pathogenic or benign to our knowledge

NM_017780.4(CHD7):c.2134A>G (p.Lys712Glu)

Gene: CHD7 (chromodomain helicase DNA binding protein 7; plus strand). Cytogenetic location: 8q12.2.
Variant type: single nucleotide variant.
Coding change: c.2134A>G on transcript NM_017780.4 (MANE Select); coding-DNA position 2134, A replaced by G.
Protein change: p.Lys712Glu; replaces lysine 712 with glutamic acid.
Molecular consequence: missense variant. On other transcripts: intron variant (1).
Genome position (GRCh38, 1-based): chr8:60,795,023, A>G. VCF-style: chr8-60795023-A-G. GRCh37 (hg19) VCF-style: chr8-61707582-A-G.
Other names: c.1716+13973A>G (NM_001316690.1); short protein forms K712E.
Identifiers: ClinVar variation 2581849 (VCV002581849.2), dbSNP rs765286478, ClinGen allele CA371295868.